The following is an entry in ClinVar:

ClinVar aggregate classification (germline): Uncertain significance (1 of 4 stars; one submission).

Conditions:
Familial thoracic aortic aneurysm and aortic dissection (TAAD). Also called: Thoracic aortic aneurysms and dissections. Identifiers: Orphanet 91387, MedGen C4707243, MONDO:0019625.

Submission:

Ambry Genetics
Classification: Uncertain significance for Familial thoracic aortic aneurysm and aortic dissection. Last evaluated: 2026-08-19. Review status: criteria provided, single submitter. Criteria: Ambry Variant Classification Scheme 2023. Collection method: clinical testing. Allele origin: germline.
Comment: The p.S1343I variant (also known as c.4028G>T), located in coding exon 52 of the COL5A2 gene, results from a G to T substitution at nucleotide position 4028. The serine at codon 1343 is replaced by isoleucine, an amino acid with dissimilar properties. This amino acid position is conserved. In addition, this alteration is predicted to be tolerated by in silico analysis. Based on the available evidence, the clinical significance of this variant remains unclear.

NM_000393.5(COL5A2):c.4028G>T (p.Ser1343Ile)

Gene: COL5A2 (collagen type V alpha 2 chain; minus strand). Cytogenetic location: 2q32.2.
Variant type: single nucleotide variant.
Coding change: c.4028G>T on transcript NM_000393.5 (MANE Select); coding-DNA position 4028, G replaced by T.
Protein change: p.Ser1343Ile; replaces serine 1343 with isoleucine.
Molecular consequence: missense variant.
Genome position (GRCh38, 1-based): chr2:189,036,701, C>A on the plus strand (G>T on the coding strand, the complement: COL5A2 is on the minus strand). VCF-style: chr2-189036701-C-A. GRCh37 (hg19) VCF-style: chr2-189901427-C-A.
Other names: short protein forms S1343I.
Identifiers: ClinVar variation 5034839 (VCV005034839.1).
Genomic context (GRCh38, chr2:189,036,701, plus strand): 5'-CCATACCAAACAGGTTTATTGTCAGGAGATTTACTGGCCCACCAGGTTTTACGTGGTACA[C>A]TGGATGGGTTTGCTGAAATACATGTTTCTCCTGTTTCCATGTTGCAGTAAACTTTGATTG-3'
Protein context (NP_000384.2, residues 1333-1353): GETCISANPS[Ser1343Ile]VPRKTWWASK